The following is an entry in ClinVar:

NM_000552.5(VWF):c.5866C>T (p.Arg1956Trp)

Gene: VWF (von Willebrand factor; minus strand). Cytogenetic location: 12p13.31.
Variant type: single nucleotide variant.
Coding change: c.5866C>T on transcript NM_000552.5 (MANE Select); coding-DNA position 5866, C replaced by T.
Protein change: p.Arg1956Trp; replaces arginine 1956 with tryptophan.
Molecular consequence: missense variant.
Genome position (GRCh38, 1-based): chr12:5,996,199, G>A on the plus strand (C>T on the coding strand, the complement: VWF is on the minus strand). VCF-style: chr12-5996199-G-A. GRCh37 (hg19) VCF-style: chr12-6105365-G-A.
Other names: short protein forms R1956W.
Identifiers: ClinVar variation 806792 (VCV000806792.43), dbSNP rs751433166, ClinGen allele CA6402130.

ClinVar aggregate classification (germline): Uncertain significance. Review status: criteria provided, multiple submitters, no conflicts (2 of 4 stars). 2 submissions from 2 submitters: Uncertain significance (2). Last evaluated 2019-02-01.

Conditions:
von Willebrand disease type 1 (VWD1). Also called: VWD, TYPE 1; VON WILLEBRAND DISEASE, TYPE I. Identifiers: Orphanet 166078, Orphanet 903, MedGen C1264039, MONDO:0008668, OMIM 193400. Inheritance: autosomal recessive or autosomal dominant.

Allele frequency attached by ClinVar (database versions not stated): TOPMed 0.00002.
gnomAD v4.1: 20 of 1,613,038 alleles (0.0012%); highest among the groups gnomAD compares: Middle Eastern, 0.017%; no homozygotes.

Submissions (2):

CeGaT Center for Human Genetics Tuebingen
Classification: Uncertain significance. Last evaluated: 2019-02-01. Review status: criteria provided, single submitter. Criteria: CeGaT Center For Human Genetics Tuebingen Variant Classification Criteria Version 2. Collection method: clinical testing. Allele origin: germline. Affected: yes. Observed: 1 variant allele.

ISTH-SSC Genomics in Thrombosis and Hemostasis, KU Leuven, Center for Molecular and Vascular Biology
Classification: Uncertain significance for von Willebrand disease type 1. Review status: criteria provided, single submitter. Criteria: ACMG Guidelines, 2015. Collection method: clinical testing. Allele origin: unknown. Affected: yes.
Comment: Submitted to GoldVariant by Kathleen Freson, Center for Molecular and Vascular Biology, Leuven, Belgium

Literature cited by the submitters: PubMed 34355501 (cited by ISTH-SSC Genomics in Thrombosis and Hemostasis, KU Leuven, Center for Molecular and Vascular Biology).